The following is an entry in ClinVar:

ClinVar aggregate classification (germline): Conflicting classifications of pathogenicity. Review status: criteria provided, conflicting classifications (1 of 4 stars). 4 submissions from 4 submitters: Uncertain significance (3); Likely benign (1). Last evaluated 2025-01-13.

Conditions:
Hereditary cancer-predisposing syndrome. Also called: Tumor predisposition; Neoplastic Syndromes, Hereditary; Hereditary Cancer Syndrome; Hereditary neoplastic syndrome. Identifiers: Orphanet 140162, MedGen C0027672, MeSH D009386, MONDO:0015356.
POLD1-related polyposis and colorectal cancer syndrome (CRCS10). Also called: Colorectal cancer 10; COLORECTAL CANCER, SUSCEPTIBILITY TO, ON CHROMOSOME 19q; Colorectal cancer, susceptibility to, 10. Identifiers: Orphanet 220460, MedGen C2675481, MONDO:0012953, OMIM 612591.

Allele frequency attached by ClinVar (database versions not stated): ExAC below 0.00001.
gnomAD v4.1: 4 of 1,554,172 alleles (0.00026%); highest among the groups gnomAD compares: Non-Finnish European, 0.00017%; no homozygotes.

Submissions (4):

Labcorp Genetics (formerly Invitae), Labcorp
Classification: Uncertain significance for POLD1-related polyposis and colorectal cancer syndrome. Last evaluated: 2025-01-13. Review status: criteria provided, single submitter. Criteria: Invitae Variant Classification Sherloc (09022015). Collection method: clinical testing. Allele origin: germline.
Comment: This sequence change replaces glutamic acid, which is acidic and polar, with aspartic acid, which is acidic and polar, at codon 63 of the POLD1 protein (p.Glu63Asp). This variant is not present in population databases (gnomAD no frequency). This missense change has been observed in individual(s) with breast cancer (PMID: 35264596). ClinVar contains an entry for this variant (Variation ID: 584986). Invitae Evidence Modeling of protein sequence and biophysical properties (such as structural, functional, and spatial information, amino acid conservation, physicochemical variation, residue mobility, and thermodynamic stability) indicates that this missense variant is not expected to disrupt POLD1 protein function with a negative predictive value of 80%. In summary, the available evidence is currently insufficient to determine the role of this variant in disease. Therefore, it has been classified as a Variant of Uncertain Significance.

Ambry Genetics
Classification: Likely benign for Hereditary cancer-predisposing syndrome. Last evaluated: 2024-11-08. Review status: criteria provided, single submitter. Criteria: Ambry Variant Classification Scheme 2023. Collection method: clinical testing. Allele origin: germline.

GeneDx
Classification: Uncertain significance. Last evaluated: 2019-08-16. Review status: criteria provided, single submitter. Criteria: GeneDx Variant Classification Process June 2021. Collection method: clinical testing. Allele origin: germline. Affected: yes.
Comment: In silico analysis, which includes protein predictors and evolutionary conservation, supports that this variant does not alter protein structure/function; No data available from control populations to assess the frequency of this variant; Observed in at least one individual with either a personal or family history of cancer (Cabanillas 2017); This variant is associated with the following publications: (PMID: 28717660)

Mendelics
Classification: Uncertain significance for POLD1-related polyposis and colorectal cancer syndrome. Last evaluated: 2019-05-28. Review status: criteria provided, single submitter. Criteria: Mendelics Assertion Criteria 2017. Collection method: clinical testing. Allele origin: unknown.

Literature cited by the submitters: PubMed 35264596 (cited by Labcorp Genetics (formerly Invitae), Labcorp).

NM_002691.4(POLD1):c.189G>T (p.Glu63Asp)

Gene: POLD1 (DNA polymerase delta 1, catalytic subunit; plus strand). Cytogenetic location: 19q13.33.
Variant type: single nucleotide variant.
Coding change: c.189G>T on transcript NM_002691.4 (MANE Select); coding-DNA position 189, G replaced by T.
Protein change: p.Glu63Asp; replaces glutamic acid 63 with aspartic acid.
Molecular consequence: missense variant. On other transcripts: non-coding transcript variant (1).
Genome position (GRCh38, 1-based): chr19:50,399,040, G>T. VCF-style: chr19-50399040-G-T. GRCh37 (hg19) VCF-style: chr19-50902297-G-T.
Other names: c.189G>T, p.Glu63Asp (NM_001256849.1, NM_001308632.1); c.189G>T (NM_002691.2); short protein forms E63D.
Identifiers: ClinVar variation 584986 (VCV000584986.13), dbSNP rs776773005, ClinGen allele CA9595628.